The following is an entry in ClinVar:

NM_014425.5(INVS):c.2518C>T (p.Leu840Phe)

Gene: INVS (inversin; plus strand). Cytogenetic location: 9q31.1.
Variant type: single nucleotide variant.
Coding change: c.2518C>T on transcript NM_014425.5 (MANE Select); coding-DNA position 2518, C replaced by T.
Protein change: p.Leu840Phe; replaces leucine 840 with phenylalanine.
Molecular consequence: missense variant. On other transcripts: non-coding transcript variant (1).
Genome position (GRCh38, 1-based): chr9:100,292,775, C>T. VCF-style: chr9-100292775-C-T. GRCh37 (hg19) VCF-style: chr9-103055057-C-T.
Other names: c.2230C>T, p.Leu744Phe (NM_001318381.2); c.1540C>T, p.Leu514Phe (NM_001318382.2); short protein forms L514F, L744F, L840F.
Identifiers: ClinVar variation 3343241 (VCV003343241.1).
Genomic context (GRCh38, chr9:100,292,775, plus strand): 5'-CATGCTGGGCAGAATCCTCCCCACCATCGTACACCAAGAAACAAAGTGACACAAGCCAAG[C>T]TCACAGGAGGGCTCTATTCACATTTGCCACAGAGCACAGAGGAGTTGAGGTCAGGAGCTA-3'
Protein context (NP_055240.2, residues 830-850): TPRNKVTQAK[Leu840Phe]TGGLYSHLPQ

ClinVar aggregate classification (germline): Uncertain significance (1 of 4 stars; one submission).

gnomAD v4.1: 2 of 1,614,166 alleles (0.00012%); no homozygotes.

Submission:

GeneDx
Classification: Uncertain significance. Last evaluated: 2023-04-28. Review status: criteria provided, single submitter. Criteria: GeneDx Variant Classification Process June 2021. Collection method: clinical testing. Allele origin: germline. Affected: yes.
Comment: Not observed at significant frequency in large population cohorts (gnomAD); In silico analysis supports that this missense variant does not alter protein structure/function; Has not been previously published as pathogenic or benign to our knowledge